The following is an entry in ClinVar:

NM_000059.4(BRCA2):c.4084C>T (p.His1362Tyr)

Gene: BRCA2 (BRCA2 DNA repair associated; plus strand). Cytogenetic location: 13q13.1.
Variant type: single nucleotide variant.
Coding change: c.4084C>T on transcript NM_000059.4 (MANE Select); coding-DNA position 4084, C replaced by T.
Protein change: p.His1362Tyr; replaces histidine 1362 with tyrosine.
Molecular consequence: missense variant.
Genome position (GRCh38, 1-based): chr13:32,338,439, C>T. VCF-style: chr13-32338439-C-T. GRCh37 (hg19) VCF-style: chr13-32912576-C-T.
Other names: c.4084C>T, p.His1362Tyr (NM_001406719.1, NM_001406720.1); short protein forms H1362Y.
Identifiers: ClinVar variation 2004169 (VCV002004169.7), dbSNP rs2548527602, ClinGen allele CA387779194.
Genomic context (GRCh38, chr13:32,338,439, plus strand): 5'-AGTAAAAATGATACTGTTTGTATTCATAAAGATGAAACGGACTTGCTATTTACTGATCAG[C>T]ACAACATATGTCTTAAATTATCTGGCCAGTTTATGAAGGAGGGAAACACTCAGATTAAAG-3'
Protein context (NP_000050.3, residues 1352-1372): DETDLLFTDQ[His1362Tyr]NICLKLSGQF

ClinVar aggregate classification (germline): Conflicting classifications of pathogenicity. Review status: criteria provided, conflicting classifications (1 of 4 stars). 3 submissions from 3 submitters: Uncertain significance (1); Likely benign (1). 1 of the submissions does not count toward it. Last evaluated 2023-03-23.

Conditions:
Hereditary breast ovarian cancer syndrome. Also called: Hereditary breast and ovarian cancer syndrome (HBOC); BRCA1- and BRCA2-Associated Hereditary Breast and Ovarian Cancer; Breast and ovarian cancer; Hereditary breast and ovarian cancer syndrome; Hereditary breast and/or ovarian cancer syndrome; Hereditary breast and ovarian cancer. Identifiers: Orphanet 145, MedGen C0677776, MeSH D061325, MONDO:0003582. Disease mechanism: loss of function.
Breast-ovarian cancer, familial, susceptibility to, 2 (BROVCA2). Also called: BRCA2 Hereditary Breast and Ovarian Cancer. Identifiers: Orphanet 145, MedGen C2675520, MONDO:0012933, OMIM 612555. Disease mechanism: loss of function.
Hereditary cancer-predisposing syndrome. Also called: Hereditary Cancer Syndrome; Tumor predisposition; Hereditary neoplastic syndrome; Neoplastic Syndromes, Hereditary. Identifiers: Orphanet 140162, MedGen C0027672, MeSH D009386, MONDO:0015356.

Submissions (3):

University of Washington Department of Laboratory Medicine, University of Washington
Classification: Likely benign for Hereditary cancer-predisposing syndrome. Last evaluated: 2023-03-23. Review status: criteria provided, single submitter. Criteria: Dines et al. (Genet Med. 2020). Collection method: curation. Allele origin: germline.
Comment: Missense variant in a coldspot region where missense variants are very unlikely to be pathogenic (PMID:31911673).

BRCA2 exon 11 coldspot. Reclassification based on statistical prior probability.

Labcorp Genetics (formerly Invitae), Labcorp
Classification: Uncertain significance for Hereditary breast ovarian cancer syndrome. Last evaluated: 2022-06-10. Review status: criteria provided, single submitter. Criteria: Invitae Variant Classification Sherloc (09022015). Collection method: clinical testing. Allele origin: germline.
Comment: In summary, the available evidence is currently insufficient to determine the role of this variant in disease. Therefore, it has been classified as a Variant of Uncertain Significance. Advanced modeling of protein sequence and biophysical properties (such as structural, functional, and spatial information, amino acid conservation, physicochemical variation, residue mobility, and thermodynamic stability) performed at Invitae indicates that this missense variant is not expected to disrupt BRCA2 protein function. This variant has not been reported in the literature in individuals affected with BRCA2-related conditions. This variant is not present in population databases (gnomAD no frequency). This sequence change replaces histidine, which is basic and polar, with tyrosine, which is neutral and polar, at codon 1362 of the BRCA2 protein (p.His1362Tyr).

BRCAlab, Lund University
Classification: Uncertain significance for Breast-ovarian cancer, familial, susceptibility to, 2. Last evaluated: 2020-03-02. Review status: no assertion criteria provided. Collection method: clinical testing. Allele origin: germline. Affected: yes. Not counted in ClinVar's aggregate classification.